The following is an entry in ClinVar:

NM_003235.5(TG):c.7578T>A (p.Phe2526Leu)

Gene: TG (thyroglobulin; plus strand). Cytogenetic location: 8q24.22.
Variant type: single nucleotide variant.
Coding change: c.7578T>A on transcript NM_003235.5 (MANE Select); coding-DNA position 7578, T replaced by A.
Protein change: p.Phe2526Leu; replaces phenylalanine 2526 with leucine.
Molecular consequence: missense variant.
Genome position (GRCh38, 1-based): chr8:133,113,427, T>A. VCF-style: chr8-133113427-T-A. GRCh37 (hg19) VCF-style: chr8-134125671-T-A.
Other names: short protein forms F2526L.
Identifiers: ClinVar variation 361997 (VCV000361997.10), dbSNP rs12114109, ClinGen allele CA4885713.

ClinVar aggregate classification (germline): Benign. Review status: criteria provided, multiple submitters, no conflicts (2 of 4 stars). 3 submissions from 3 submitters: Benign (3). Last evaluated 2026-01-31.

Conditions:
Iodotyrosyl coupling defect (TDH3). Also called: HYPOTHYROIDISM, CONGENITAL, DUE TO DYSHORMONOGENESIS, 3; THYROID HORMONOGENESIS, GENETIC DEFECT IN, 3. Identifiers: Orphanet 95716, MedGen C0342194, MONDO:0010135, OMIM 274700.

Allele frequency attached by ClinVar (database versions not stated): gnomAD exomes 0.00352 and 0.00905; ExAC 0.01150; 1000 Genomes Project 0.03435; gnomAD 0.03520 and 0.03807; 1000 Genomes Project 30x 0.03716; TOPMed 0.03885; ESP Exome Variant Server 0.03906.
gnomAD v4.1: 10,721 of 1,613,786 alleles (0.66%); highest among the groups gnomAD compares: African/African-American, 13%; 615 homozygotes.

Submissions (18):

Labcorp Genetics (formerly Invitae), Labcorp
Classification: Benign. Last evaluated: 2026-01-31. Review status: criteria provided, single submitter. Criteria: Invitae Variant Classification Sherloc (09022015). Collection method: clinical testing. Allele origin: germline.

Illumina Laboratory Services, Illumina
Classification: Benign for Iodotyrosyl coupling defect. Last evaluated: 2018-01-13. Review status: criteria provided, single submitter. Criteria: ICSL Variant Classification Criteria 13 December 2019. Collection method: clinical testing. Allele origin: germline.
Comment: This variant was observed in the ICSL laboratory as part of a predisposition screen in an ostensibly healthy population. It had not been previously curated by ICSL or reported in the Human Gene Mutation Database (HGMD: prior to June 1st, 2018), and was therefore a candidate for classification through an automated scoring system. Utilizing variant allele frequency, disease prevalence and penetrance estimates, and inheritance mode, an automated score was calculated to assess if this variant is too frequent to cause the disease. Based on the score and internal cut-off values, a variant classified as benign is not then subjected to further curation. The score for this variant resulted in a classification of benign for this disease.

Breakthrough Genomics
Classification: Benign. Review status: criteria provided, single submitter. Criteria: ACMG Guidelines, 2015. Collection method: not provided. Allele origin: germline. Inheritance: Autosomal recessive inheritance. Affected: yes.

Dr. Peter K. Rogan Lab, Western University
No classification provided (evidence only). Condition: Clear cell carcinoma of kidney. Review status: no classification provided. Collection method: in vitro. Allele origin: not applicable. Functional consequence: retained intron. Not counted in ClinVar's aggregate classification.

Dr. Peter K. Rogan Lab, Western University
No classification provided (evidence only). Condition: Clear cell carcinoma of kidney. Review status: no classification provided. Collection method: in vitro. Allele origin: not applicable. Functional consequence: retained intron. Not counted in ClinVar's aggregate classification.

Dr. Peter K. Rogan Lab, Western University
No classification provided (evidence only). Condition: Lung cancer. Review status: no classification provided. Collection method: in vitro. Allele origin: not applicable. Functional consequence: retained intron. Not counted in ClinVar's aggregate classification.

Dr. Peter K. Rogan Lab, Western University
No classification provided (evidence only). Condition: Thyroid cancer, nonmedullary, 1. Review status: no classification provided. Collection method: in vitro. Allele origin: not applicable. Functional consequence: retained intron. Not counted in ClinVar's aggregate classification.

Dr. Peter K. Rogan Lab, Western University
No classification provided (evidence only). Condition: Thyroid cancer, nonmedullary, 1. Review status: no classification provided. Collection method: in vitro. Allele origin: not applicable. Functional consequence: retained intron. Not counted in ClinVar's aggregate classification.

Dr. Peter K. Rogan Lab, Western University
No classification provided (evidence only). Condition: Thyroid cancer, nonmedullary, 1. Review status: no classification provided. Collection method: in vitro. Allele origin: not applicable. Functional consequence: retained intron. Not counted in ClinVar's aggregate classification.

Dr. Peter K. Rogan Lab, Western University
No classification provided (evidence only). Condition: Thyroid cancer, nonmedullary, 1. Review status: no classification provided. Collection method: in vitro. Allele origin: not applicable. Functional consequence: retained intron. Not counted in ClinVar's aggregate classification.

Dr. Peter K. Rogan Lab, Western University
No classification provided (evidence only). Condition: Thyroid cancer, nonmedullary, 1. Review status: no classification provided. Collection method: in vitro. Allele origin: not applicable. Functional consequence: retained intron. Not counted in ClinVar's aggregate classification.

Dr. Peter K. Rogan Lab, Western University
No classification provided (evidence only). Condition: Thyroid cancer, nonmedullary, 1. Review status: no classification provided. Collection method: in vitro. Allele origin: not applicable. Functional consequence: retained intron. Not counted in ClinVar's aggregate classification.

Dr. Peter K. Rogan Lab, Western University
No classification provided (evidence only). Condition: Uterine corpus endometrial carcinoma. Review status: no classification provided. Collection method: in vitro. Allele origin: not applicable. Functional consequence: retained intron. Not counted in ClinVar's aggregate classification.

Dr. Peter K. Rogan Lab, Western University
No classification provided (evidence only). Condition: Uterine corpus endometrial carcinoma. Review status: no classification provided. Collection method: in vitro. Allele origin: not applicable. Functional consequence: retained intron. Not counted in ClinVar's aggregate classification.

Dr. Peter K. Rogan Lab, Western University
No classification provided (evidence only). Condition: Cervical cancer. Review status: no classification provided. Collection method: in vitro. Allele origin: not applicable. Functional consequence: retained intron. Not counted in ClinVar's aggregate classification.

Dr. Peter K. Rogan Lab, Western University
No classification provided (evidence only). Condition: Nonpapillary renal cell carcinoma. Review status: no classification provided. Collection method: in vitro. Allele origin: not applicable. Functional consequence: retained intron. Not counted in ClinVar's aggregate classification.

Dr. Peter K. Rogan Lab, Western University
No classification provided (evidence only). Condition: Thymoma. Review status: no classification provided. Collection method: in vitro. Allele origin: not applicable. Functional consequence: retained intron. Not counted in ClinVar's aggregate classification.

Dr. Peter K. Rogan Lab, Western University
No classification provided (evidence only). Condition: Thymoma. Review status: no classification provided. Collection method: in vitro. Allele origin: not applicable. Functional consequence: retained intron. Not counted in ClinVar's aggregate classification.